The following is an entry in ClinVar:

ClinVar aggregate classification (germline): Benign/Likely benign. Review status: criteria provided, multiple submitters, no conflicts (2 of 4 stars). 15 submissions from 13 submitters: Benign (14); Likely benign (1). Last evaluated 2026-02-04.

Conditions:
Cardiovascular phenotype. Identifiers: MedGen CN230736.
Familial thoracic aortic aneurysm and aortic dissection (TAAD). Also called: Thoracic aortic aneurysms and dissections. Identifiers: Orphanet 91387, MedGen C4707243, MONDO:0019625.
Lissencephaly 4 (LIS4). Also called: Lissencephaly 4 (with microcephaly). Identifiers: Orphanet 1083, MedGen C3151461, MONDO:0013527, OMIM 614019.
Aortic aneurysm, familial thoracic 4 (AAT4). Also called: AORTIC ANEURYSM/AORTIC DISSECTION AND PATENT DUCTUS ARTERIOSUS. Identifiers: MedGen C1851504, MONDO:0007568, OMIM 132900.

Allele frequency attached by ClinVar (database versions not stated): gnomAD 0.07791; ESP Exome Variant Server 0.08296; TOPMed 0.08462; 1000 Genomes Project 0.09205; 1000 Genomes Project 30x 0.09775.
gnomAD v4.1: 45,976 of 1,613,830 alleles (2.8%); highest among the groups gnomAD compares: African/African-American, 23%; 2,374 homozygotes.

Submissions (15):

Labcorp Genetics (formerly Invitae), Labcorp
Classification: Benign for Aortic aneurysm, familial thoracic 4. Last evaluated: 2026-02-04. Review status: criteria provided, single submitter. Criteria: Invitae Variant Classification Sherloc (09022015). Collection method: clinical testing. Allele origin: germline.

ARUP Laboratories, Molecular Genetics and Genomics, ARUP Laboratories
Classification: Benign. Last evaluated: 2025-07-29. Review status: criteria provided, single submitter. Criteria: ARUP Molecular Germline Variant Investigation Process 2024. Collection method: clinical testing. Allele origin: germline.

Molecular Diagnostic Laboratory for Inherited Cardiovascular Disease, Montreal Heart Institute
Classification: Benign. Last evaluated: 2025-04-09. Review status: criteria provided, single submitter. Criteria: ACMG Guidelines, 2015. Collection method: clinical testing. Allele origin: germline. Affected: no.

Blueprint Genetics
Classification: Benign. Last evaluated: 2024-11-27. Review status: criteria provided, single submitter. Criteria: ACMG Guidelines, 2015. Collection method: clinical testing. Allele origin: germline.

All of Us Research Program, National Institutes of Health
Classification: Benign for Familial thoracic aortic aneurysm and aortic dissection. Last evaluated: 2024-02-05. Review status: criteria provided, single submitter. Criteria: ACMG Guidelines, 2015. Collection method: clinical testing. Allele origin: germline. Inheritance: Autosomal dominant inheritance. Observed: 6,645 variant alleles, 6,242 heterozygotes, 403 homozygotes.
Comment: This study involves interpretation of variants in research participants for the purpose of population health screening. Participant phenotype was not available at the time of variant classification. Additional details can be found in publication PMID: 35346344, PMCID: PMC8962531

Color Diagnostics, LLC DBA Color Health
Classification: Benign for Familial thoracic aortic aneurysm and aortic dissection. Last evaluated: 2018-03-07. Review status: criteria provided, single submitter. Criteria: ACMG Guidelines, 2015. Collection method: clinical testing. Allele origin: germline.

Illumina Laboratory Services, Illumina
Classification: Benign for Aortic aneurysm, familial thoracic 4. Last evaluated: 2018-01-12. Review status: criteria provided, single submitter. Criteria: ICSL Variant Classification Criteria 13 December 2019. Collection method: clinical testing. Allele origin: germline.
Comment: This variant was observed in the ICSL laboratory as part of a predisposition screen in an ostensibly healthy population. It had not been previously curated by ICSL or reported in the Human Gene Mutation Database (HGMD: prior to June 1st, 2018), and was therefore a candidate for classification through an automated scoring system. Utilizing variant allele frequency, disease prevalence and penetrance estimates, and inheritance mode, an automated score was calculated to assess if this variant is too frequent to cause the disease. Based on the score and internal cut-off values, a variant classified as benign is not then subjected to further curation. The score for this variant resulted in a classification of benign for this disease.

Illumina Laboratory Services, Illumina
Classification: Benign for Lissencephaly 4. Last evaluated: 2017-04-27. Review status: criteria provided, single submitter. Criteria: ICSL Variant Classification Criteria 13 December 2019. Collection method: clinical testing. Allele origin: germline.
Comment: This variant was observed as part of a predisposition screen in an ostensibly healthy population. A literature search was performed for the gene, cDNA change, and amino acid change (where applicable). No publications were found based on this search. Allele frequency data from public databases was too high to be consistent with this variant causing disease. Therefore, this variant is classified as benign.

Ambry Genetics
Classification: Benign for Familial thoracic aortic aneurysm and aortic dissection. Last evaluated: 2015-07-17. Review status: criteria provided, single submitter. Criteria: Ambry Autosomal Dominant and X-Linked criteria (10/2015). Collection method: clinical testing. Allele origin: germline. Observed: 1 variant allele.
Comment: General population or subpopulation frequency is too high to be a pathogenic mutation based on disease/syndrome prevalence and penetrance

Ambry Genetics
Classification: Benign for Cardiovascular phenotype. Last evaluated: 2014-11-25. Review status: criteria provided, single submitter. Criteria: Ambry Autosomal Dominant and X-Linked criteria (10/2015). Collection method: clinical testing. Allele origin: germline. Observed: 1 variant allele.

Mayo Clinic Laboratories, Mayo Clinic
Classification: Benign. Last evaluated: 2014-04-17. Review status: criteria provided, single submitter. Criteria: ACMG Guidelines, 2015. Collection method: clinical testing. Allele origin: germline. Observed: 62 variant alleles.

Laboratory for Molecular Medicine, Mass General Brigham Personalized Medicine
Classification: Benign. Last evaluated: 2013-04-04. Review status: criteria provided, single submitter. Criteria: LMM Criteria. Collection method: clinical testing. Allele origin: germline. Observed: 1 variant allele.
Comment: Ala1846Ala in exon 40 of MYH11: This variant is not expected to have clinical si gnificance because it does not alter an amino acid residue and is not located wi thin the splice consensus sequence. It has been identified in 21.4% (942/4394) o f African American chromosomes from a broad population by the NHLBI Exome Sequen cing Project (dbSNP rs28505375).

GeneDx
Classification: Benign. Last evaluated: 2013-02-26. Review status: criteria provided, single submitter. Criteria: GeneDx Variant Classification (06012015). Collection method: clinical testing. Allele origin: germline. Affected: yes.
Comment: This variant is considered likely benign or benign based on one or more of the following criteria: it is a conservative change, it occurs at a poorly conserved position in the protein, it is predicted to be benign by multiple in silico algorithms, and/or has population frequency not consistent with disease.

Breakthrough Genomics
Classification: Likely benign. Review status: criteria provided, single submitter. Criteria: ACMG Guidelines, 2015. Collection method: not provided. Allele origin: germline. Inheritance: Autosomal recessive inheritance. Affected: yes.

PreventionGenetics, part of Exact Sciences
Classification: Benign. Review status: criteria provided, single submitter. Criteria: ACMG Guidelines, 2015. Collection method: clinical testing. Allele origin: germline.

NM_002474.3(MYH11):c.5517G>A (p.Ala1839=)

Genes: MYH11 (myosin heavy chain 11; minus strand), NDE1 (nudE neurodevelopment protein 1; plus strand). Cytogenetic location: 16p13.11.
Variant type: single nucleotide variant.
Coding change: c.5517G>A on transcript NM_002474.3 (MANE Select); coding-DNA position 5517, G replaced by A.
Protein change: p.Ala1839=; no amino-acid change (alanine 1839 retained).
Molecular consequence: synonymous variant. On other transcripts: intron variant (2).
Genome position (GRCh38, 1-based): chr16:15,715,260, C>T on the plus strand (G>A on the coding strand, the complement: MYH11 is on the minus strand). VCF-style: chr16-15715260-C-T. GRCh37 (hg19) VCF-style: chr16-15809117-C-T.
Other names: p.A1839A:GCG>GCA; p.Ala1846=; c.5538G>A, p.Ala1846= (NM_001040113.2, NM_001040114.2); c.5517G>A, p.Ala1839= (NM_022844.3); c.948-8931C>T (NM_001143979.2, NM_017668.3).
Identifiers: ClinVar variation 138356 (VCV000138356.43), dbSNP rs28505375, ClinGen allele CA292326.